The following is an entry in ClinVar:

NM_003482.4(KMT2D):c.16461A>G (p.Thr5487=)

Gene: KMT2D (lysine methyltransferase 2D; minus strand). Cytogenetic location: 12q13.12.
Variant type: single nucleotide variant.
Coding change: c.16461A>G on transcript NM_003482.4 (MANE Select); coding-DNA position 16461, A replaced by G.
Protein change: p.Thr5487=; no amino-acid change (threonine 5487 retained).
Molecular consequence: synonymous variant.
Genome position (GRCh38, 1-based): chr12:49,022,103, T>C on the plus strand (A>G on the coding strand, the complement: KMT2D is on the minus strand). VCF-style: chr12-49022103-T-C. GRCh37 (hg19) VCF-style: chr12-49415886-T-C.
Identifiers: ClinVar variation 2894958 (VCV002894958.4), dbSNP rs757630906, ClinGen allele CA6545366.

ClinVar aggregate classification (germline): Benign/Likely benign. Review status: criteria provided, multiple submitters, no conflicts (2 of 4 stars). 2 submissions from 2 submitters: Benign (1); Likely benign (1). Last evaluated 2026-01-17.

Conditions:
KMT2D-related disorder. Also called: KMT2D-Related Disorders.
Kabuki syndrome. Also called: NIIKAWA-KUROKI SYNDROME; Kabuki make-up syndrome. Identifiers: Orphanet 2322, MedGen C0796004, MONDO:0016512.

Allele frequency attached by ClinVar (database versions not stated): gnomAD 0.00001; ExAC 0.00002; TOPMed 0.00002; gnomAD exomes 0.00008.
gnomAD v4.1: 118 of 1,613,888 alleles (0.0073%); highest among the groups gnomAD compares: Non-Finnish European, 0.0097%; no homozygotes.

Submissions (2):

Labcorp Genetics (formerly Invitae), Labcorp
Classification: Benign for Kabuki syndrome. Last evaluated: 2026-01-17. Review status: criteria provided, single submitter. Criteria: Invitae Variant Classification Sherloc (09022015). Collection method: clinical testing. Allele origin: germline.

PreventionGenetics, part of Exact Sciences
Classification: Likely benign for KMT2D-related condition. Last evaluated: 2024-12-13. Review status: criteria provided, single submitter. Criteria: ACMG Guidelines, 2015. Collection method: clinical testing. Allele origin: germline.
Comment: This variant is classified as likely benign based on ACMG/AMP sequence variant interpretation guidelines (Richards et al. 2015 PMID: 25741868, with internal and published modifications).